The following is an entry in ClinVar:

NM_182760.4(SUMF1):c.1014+3A>G

Gene: SUMF1 (sulfatase modifying factor 1; minus strand). Cytogenetic location: 3p26.1.
Variant type: single nucleotide variant.
Coding change: c.1014+3A>G on transcript NM_182760.4 (MANE Select); 3 bases into the intron after coding-DNA position 1014, A replaced by G.
Molecular consequence: intron variant.
Genome position (GRCh38, 1-based): chr3:4,376,327, T>C on the plus strand (A>G on the coding strand, the complement: SUMF1 is on the minus strand). VCF-style: chr3-4376327-T-C. GRCh37 (hg19) VCF-style: chr3-4418011-T-C.
Other names: c.939+3A>G (NM_001164674.2); c.955-14073A>G (NM_001164675.2).
Identifiers: ClinVar variation 1443493 (VCV001443493.3), dbSNP rs2124844932, ClinGen allele CA2573136912.

ClinVar aggregate classification (germline): Uncertain significance (1 of 4 stars; one submission).

Conditions:
Multiple sulfatase deficiency (MSD). Also called: Mucosulfatidosis; Multiple Sulfatase Deficiency Disease; Sulfatidosis, Juvenile, Austin Type. Identifiers: Orphanet 585, MedGen C0268263, MONDO:0010088, OMIM 272200.

Allele frequency attached by ClinVar (database versions not stated): gnomAD exomes below 0.00001.
gnomAD v4.1: 4 of 1,614,160 alleles (0.00025%); highest among the groups gnomAD compares: Non-Finnish European, 0.00034%; no homozygotes.

Submission:

Labcorp Genetics (formerly Invitae), Labcorp
Classification: Uncertain significance for Multiple sulfatase deficiency. Last evaluated: 2021-07-25. Review status: criteria provided, single submitter. Criteria: Invitae Variant Classification Sherloc (09022015). Collection method: clinical testing. Allele origin: germline.
Comment: This sequence change falls in intron 8 of the SUMF1 gene. It does not directly change the encoded amino acid sequence of the SUMF1 protein. It affects a nucleotide within the consensus splice site of the intron. This variant is not present in population databases (ExAC no frequency). This variant has not been reported in the literature in individuals affected with SUMF1-related conditions. Nucleotide substitutions within the consensus splice site are a relatively common cause of aberrant splicing (PMID: 17576681, 9536098). Algorithms developed to predict the effect of sequence changes on RNA splicing suggest that this variant is not likely to affect RNA splicing. In summary, the available evidence is currently insufficient to determine the role of this variant in disease. Therefore, it has been classified as a Variant of Uncertain Significance.

Literature cited by the submitters: PubMed 17576681; PubMed 9536098.